The following is an entry in ClinVar:

ClinVar aggregate classification (germline): Uncertain significance (1 of 4 stars; one submission).

Conditions:
Inborn genetic diseases. Identifiers: MedGen C0950123, MeSH D030342.

gnomAD v4.1: 3 of 1,613,852 alleles (0.00019%); highest among the groups gnomAD compares: Non-Finnish European, 0.00025%; no homozygotes.

Submission:

Ambry Genetics
Classification: Uncertain significance for Inborn genetic diseases. Last evaluated: 2026-04-27. Review status: criteria provided, single submitter. Criteria: Ambry Variant Classification Scheme 2023. Collection method: clinical testing. Allele origin: germline.
Comment: The c.3580G>C (p.G1194R) alteration is located in exon 22 (coding exon 22) of the CFH gene. This alteration results from a G to C substitution at nucleotide position 3580, causing the glycine (G) at amino acid position 1194 to be replaced by an arginine (R). Based on data from gnomAD, the C allele has an overall frequency of <0.001% (1/251158) total alleles studied. The highest observed frequency was 0.001% (1/113444) of European (non-Finnish) alleles. Based on insufficient or conflicting evidence, the clinical significance of this alteration remains unclear.

NM_000186.4(CFH):c.3580G>C (p.Gly1194Arg)

Gene: CFH (complement factor H; plus strand). Cytogenetic location: 1q31.3.
Variant type: single nucleotide variant.
Coding change: c.3580G>C on transcript NM_000186.4 (MANE Select); coding-DNA position 3580, G replaced by C.
Protein change: p.Gly1194Arg; replaces glycine 1194 with arginine.
Molecular consequence: missense variant.
Genome position (GRCh38, 1-based): chr1:196,747,197, G>C. VCF-style: chr1-196747197-G-C. GRCh37 (hg19) VCF-style: chr1-196716327-G-C.
Other names: short protein forms G1194R.
Identifiers: ClinVar variation 4868799 (VCV004868799.1).